The following is an entry in ClinVar:

NM_016180.5(SLC45A2):c.3G>A (p.Met1Ile)

Gene: SLC45A2 (solute carrier family 45 member 2; minus strand). Cytogenetic location: 5p13.2.
Variant type: single nucleotide variant.
Coding change: c.3G>A on transcript NM_016180.5 (MANE Select); coding-DNA position 3, G replaced by A.
Protein change: p.Met1Ile; changes the start codon (methionine 1).
Molecular consequence: missense variant, initiator codon variant.
Genome position (GRCh38, 1-based): chr5:33,984,581, C>T on the plus strand (G>A on the coding strand, the complement: SLC45A2 is on the minus strand). VCF-style: chr5-33984581-C-T. GRCh37 (hg19) VCF-style: chr5-33984686-C-T.
Other names: c.3G>A, p.Met1Ile (NM_001012509.4, NM_001297417.4); short protein forms M1I.
Identifiers: ClinVar variation 1895798 (VCV001895798.6), dbSNP rs374949938, ClinGen allele CA116903965.

ClinVar aggregate classification (germline): Pathogenic (1 of 4 stars; one submission).

Allele frequency attached by ClinVar (database versions not stated): TOPMed 0.00001; ESP Exome Variant Server 0.00008; gnomAD 0.00001; gnomAD exomes below 0.00001.

Submission:

Labcorp Genetics (formerly Invitae), Labcorp
Classification: Pathogenic. Last evaluated: 2025-01-27. Review status: criteria provided, single submitter. Criteria: Invitae Variant Classification Sherloc (09022015). Collection method: clinical testing. Allele origin: germline.
Comment: This sequence change affects the initiator methionine of the SLC45A2 mRNA. The next in-frame methionine is located at codon 37. This variant is not present in population databases (gnomAD no frequency). Disruption of the initiator codon has been observed in individual(s) with oculocutaneous albinism (internal data). In at least one individual the data is consistent with being in trans (on the opposite chromosome) from a pathogenic variant. ClinVar contains an entry for this variant (Variation ID: 1895798). For these reasons, this variant has been classified as Pathogenic.